The following is an entry in ClinVar:

NM_020699.4(GATAD2B):c.709C>T (p.Gln237Ter)

Gene: GATAD2B (GATA zinc finger domain containing 2B; minus strand). Cytogenetic location: 1q21.3.
Variant type: single nucleotide variant.
Coding change: c.709C>T on transcript NM_020699.4 (MANE Select); coding-DNA position 709, C replaced by T.
Protein change: p.Gln237Ter; replaces glutamine 237 with a stop codon.
Molecular consequence: nonsense.
Genome position (GRCh38, 1-based): chr1:153,818,060, G>A on the plus strand (C>T on the coding strand, the complement: GATAD2B is on the minus strand). VCF-style: chr1-153818060-G-A. GRCh37 (hg19) VCF-style: chr1-153790536-G-A.
Other names: short protein forms Q237*.
Identifiers: ClinVar variation 432992 (VCV000432992.3), dbSNP rs1553188314, ClinGen allele CA342531541.
Genomic context (GRCh38, chr1:153,818,060, plus strand): 5'-ACGGCCCTCCAACACTAAGATCCCACTATGGGTCACATACCTGTAATGTTCTCAAATTTT[G>A]AGGTTCAACCCCTTGGGCCCCAGGCCGAGAGGGAAGCTTAGATAGGCCCTGCTGTCCCAC-3'

ClinVar aggregate classification (germline): Pathogenic. Review status: criteria provided, single submitter (1 of 4 stars). 2 submissions from 2 submitters: Pathogenic (1). 1 of the submissions does not count toward it. Last evaluated 2017-06-27.

Conditions:
Severe intellectual disability-poor language-strabismus-grimacing face-long fingers syndrome (GAND). Also called: GAND SYNDROME. Identifiers: Orphanet 363686, MedGen C3554448, MONDO:0014034, OMIM 615074.

Submissions (2):

GeneDx
Classification: Pathogenic. Last evaluated: 2017-06-27. Review status: criteria provided, single submitter. Criteria: GeneDx Variant Classification (06012015). Collection method: clinical testing. Allele origin: germline. Affected: yes.
Comment: The Q237X variant in the GATAD2B gene has not been reported previously as a pathogenic variant nor as a benign variant, to our knowledge. This variant is predicted to cause loss of normal protein function either through protein truncation or nonsense-mediated mRNA decay. The Q237X variant is not observed in large population cohorts (Lek et al., 2016; 1000 Genomes Consortium et al., 2015; Exome Variant Server). We interpret Q237X as a pathogenic variant.

OMIM
Classification: Pathogenic for GAND SYNDROME. Last evaluated: 2020-10-22. Review status: no assertion criteria provided. Collection method: literature only. Allele origin: germline. Not counted in ClinVar's aggregate classification.

Literature cited by the submitters: PubMed 30346093 (cited by OMIM).